The following is an entry in ClinVar:

ClinVar aggregate classification (germline): Conflicting classifications of pathogenicity. Review status: criteria provided, conflicting classifications (1 of 4 stars). 9 submissions from 9 submitters: Uncertain significance (1); Benign (1); Likely benign (7). Last evaluated 2025-10-27.

Conditions:
Hereditary cancer-predisposing syndrome. Also called: Hereditary neoplastic syndrome; Tumor predisposition; Neoplastic Syndromes, Hereditary; Hereditary Cancer Syndrome. Identifiers: Orphanet 140162, MedGen C0027672, MeSH D009386, MONDO:0015356.
Juvenile polyposis syndrome (JPS). Identifiers: Orphanet 2929, MedGen C0345893, MONDO:0017380, OMIM 174900.

Allele frequency attached by ClinVar (database versions not stated): gnomAD 0.00001 and 0.00002; gnomAD exomes 0.00001 and 0.00002; TOPMed 0.00003; ESP Exome Variant Server 0.00008.
gnomAD v4.1: 29 of 1,613,994 alleles (0.0018%); highest among the groups gnomAD compares: Middle Eastern, 0.016%; no homozygotes.

Submissions (9):

Labcorp Genetics (formerly Invitae), Labcorp
Classification: Likely benign for Juvenile polyposis syndrome. Last evaluated: 2025-10-27. Review status: criteria provided, single submitter. Criteria: Invitae Variant Classification Sherloc (09022015). Collection method: clinical testing. Allele origin: germline.

CeGaT Center for Human Genetics Tuebingen
Classification: Likely benign. Last evaluated: 2024-12-01. Review status: criteria provided, single submitter. Criteria: CeGaT Center For Human Genetics Tuebingen Variant Classification Criteria Version 2. Collection method: clinical testing. Allele origin: germline. Affected: yes. Observed: 1 variant allele.
Comment: BMPR1A: BP4, BP7

Quest Diagnostics Nichols Institute San Juan Capistrano
Classification: Uncertain significance. Last evaluated: 2024-11-27. Review status: criteria provided, single submitter. Criteria: Quest Diagnostics criteria. Collection method: clinical testing. Allele origin: unknown.
Comment: The BMPR1A c.183C>T (p.Cys61=) synonymous variant has not been reported in individuals with BMPR1A-related conditions in the published literature. The frequency of this variant in the general population, 0.000012 (3/251400 chromosomes (Genome Aggregation Database)), is uninformative in the assessment of its pathogenicity. Analysis of this variant using software algorithms for the prediction of the effect of nucleotide changes on splicing yielded predictions that this variant does not affect BMPR1A mRNA splicing. Based on the available information, we are unable to determine the clinical significance of this variant.

Myriad Genetics, Inc.
Classification: Benign for Juvenile polyposis syndrome. Last evaluated: 2024-07-31. Review status: criteria provided, single submitter. Criteria: Myriad Autosomal Dominant, Autosomal Recessive and X-Linked Classification Criteria (2023). Collection method: clinical testing. Allele origin: unknown.
Comment: This variant is considered benign. This variant is a silent/synonymous amino acid change and it is not expected to impact splicing.

All of Us Research Program, National Institutes of Health
Classification: Likely benign for Juvenile polyposis syndrome. Last evaluated: 2023-12-18. Review status: criteria provided, single submitter. Criteria: ACMG Guidelines, 2015. Collection method: clinical testing. Allele origin: germline. Inheritance: Autosomal dominant inheritance. Observed: 4 variant alleles, 4 heterozygotes.
Comment: This study involves interpretation of variants in research participants for the purpose of population health screening. Participant phenotype was not available at the time of variant classification. Additional details can be found in publication PMID: 35346344, PMCID: PMC8962531

Sema4
Classification: Likely benign for Hereditary cancer-predisposing syndrome. Last evaluated: 2021-04-10. Review status: criteria provided, single submitter. Criteria: Sema4 Curation Guidelines. Collection method: curation. Allele origin: germline.

GeneDx
Classification: Likely benign. Last evaluated: 2019-07-24. Review status: criteria provided, single submitter. Criteria: GeneDx Variant Classification Process June 2021. Collection method: clinical testing. Allele origin: germline. Affected: yes.

Color Diagnostics, LLC DBA Color Health
Classification: Likely benign for Hereditary cancer-predisposing syndrome. Last evaluated: 2017-05-07. Review status: criteria provided, single submitter. Criteria: ACMG Guidelines, 2015. Collection method: clinical testing. Allele origin: germline.

Ambry Genetics
Classification: Likely benign for Hereditary cancer-predisposing syndrome. Last evaluated: 2015-03-02. Review status: criteria provided, single submitter. Criteria: Ambry Variant Classification Scheme 2023. Collection method: clinical testing. Allele origin: germline.

NM_004329.3(BMPR1A):c.183C>T (p.Cys61=)

Gene: BMPR1A (bone morphogenetic protein receptor type 1A; plus strand). Cytogenetic location: 10q23.2.
Variant type: single nucleotide variant.
Coding change: c.183C>T on transcript NM_004329.3 (MANE Select); coding-DNA position 183, C replaced by T.
Protein change: p.Cys61=; no amino-acid change (cysteine 61 retained).
Molecular consequence: synonymous variant.
Genome position (GRCh38, 1-based): chr10:86,890,177, C>T. VCF-style: chr10-86890177-C-T. GRCh37 (hg19) VCF-style: chr10-88649934-C-T.
Identifiers: ClinVar variation 482845 (VCV000482845.37), dbSNP rs140610221, ClinGen allele CA211182774.